The following is an entry in ClinVar:

ClinVar aggregate classification (germline): Uncertain significance (1 of 4 stars; one submission).

Submission:

Labcorp Genetics (formerly Invitae), Labcorp
Classification: Uncertain significance. Last evaluated: 2023-05-23. Review status: criteria provided, single submitter. Criteria: Invitae Variant Classification Sherloc (09022015). Collection method: clinical testing. Allele origin: germline.
Comment: This sequence change replaces arginine, which is basic and polar, with tryptophan, which is neutral and slightly polar, at codon 959 of the SPTA1 protein (p.Arg959Trp). This variant has not been reported in the literature in individuals affected with SPTA1-related conditions. In summary, the available evidence is currently insufficient to determine the role of this variant in disease. Therefore, it has been classified as a Variant of Uncertain Significance. Experimental studies and prediction algorithms are not available or were not evaluated, and the functional significance of this variant is currently unknown. Information on the frequency of this variant in the gnomAD database is not available, as this variant may be reported differently in the database.

NM_003126.4(SPTA1):c.2874_2875delinsAT (p.Arg959Trp)

Gene: SPTA1 (spectrin alpha, erythrocytic 1; minus strand). Cytogenetic location: 1q23.1.
Variant type: Indel.
Coding change: c.2874_2875delinsAT on transcript NM_003126.4 (MANE Select); coding-DNA positions 2874 to 2875, GC replaced by AT.
Protein change: p.Arg959Trp; replaces arginine 959 with tryptophan.
Molecular consequence: missense variant.
Genome position (GRCh38, 1-based): chr1:158,656,587-158,656,588, GC replaced by AT on the plus strand (GC replaced by AT on the coding strand, the reverse complement: SPTA1 is on the minus strand). VCF-style: chr1-158656587-GC-AT. GRCh37 (hg19) VCF-style: chr1-158626377-GC-AT.
Other names: short protein forms R959W.
Identifiers: ClinVar variation 2891587 (VCV002891587.3), dbSNP rs2525147584, ClinGen allele CA2739275343.
Genomic context (GRCh38, chr1:158,656,587, plus strand): 5'-GGAAGTGTGAATCCTGTCATCGCTAAGTTAGTCTTACCTGGCAGGCGTTTGCCTGATTCC[GC>AT]AGAGCTTTCATACTGTCTCCAAATGAATTGAGATCTAATAGAAAGGCCTCATGCTTCTTT-3'
Protein context (NP_003117.2, residues 949-969): NSFGDSMKAL[Arg959Trp]NQANACQQQQ